The following is an entry in ClinVar:

ClinVar aggregate classification (germline): Uncertain significance. Review status: criteria provided, multiple submitters, no conflicts (2 of 4 stars). 6 submissions from 4 submitters: Uncertain significance (5). 1 of the submissions does not count toward it. Last evaluated 2021-07-14.

Conditions:
MKS1-related disorder. Also called: MKS1-related condition; MKS1-related disorders. Identifiers: MedGen CN239382.
Joubert syndrome 28 (JBTS28). Identifiers: MedGen C4310705, MONDO:0014928, OMIM 617121.
Meckel syndrome, type 1 (MKS1). Also called: MECKEL-GRUBER SYNDROME, TYPE 1. Identifiers: Orphanet 564, MedGen C3714506, MONDO:0009571, OMIM 249000.
Bardet-Biedl syndrome 13 (BBS13). Identifiers: Orphanet 110, MedGen C2673873, MONDO:0014441, OMIM 615990.

Allele frequency attached by ClinVar (database versions not stated): gnomAD 0.00001 and 0.00002; gnomAD exomes 0.00001; TOPMed 0.00002.
gnomAD v4.1: 11 of 1,613,976 alleles (0.00068%); highest among the groups gnomAD compares: African/African-American, 0.0027%; no homozygotes.

Submissions (6):

Genome-Nilou Lab
Classification: Uncertain significance for Bardet-Biedl syndrome 13. Last evaluated: 2021-07-14. Review status: criteria provided, single submitter. Criteria: ACMG Guidelines, 2015. Collection method: clinical testing. Allele origin: germline. Affected: no.

Genome-Nilou Lab
Classification: Uncertain significance for Joubert syndrome 28. Last evaluated: 2021-07-14. Review status: criteria provided, single submitter. Criteria: ACMG Guidelines, 2015. Collection method: clinical testing. Allele origin: germline. Affected: no.

Genome-Nilou Lab
Classification: Uncertain significance for Meckel syndrome, type 1. Last evaluated: 2021-07-14. Review status: criteria provided, single submitter. Criteria: ACMG Guidelines, 2015. Collection method: clinical testing. Allele origin: germline. Affected: no.

Eurofins Ntd Llc (ga)
Classification: Uncertain significance. Last evaluated: 2017-11-08. Review status: criteria provided, single submitter. Criteria: EGL Classification Definitions 2015. Collection method: clinical testing. Allele origin: germline. Observed: 1 variant allele, 1 heterozygote.

Breakthrough Genomics
Classification: Uncertain significance. Review status: criteria provided, single submitter. Criteria: ACMG Guidelines, 2015. Collection method: not provided. Allele origin: germline. Inheritance: Autosomal recessive inheritance. Affected: yes.

PreventionGenetics, part of Exact Sciences
Classification: Uncertain significance for MKS1-related condition. Last evaluated: 2024-04-30. Review status: no assertion criteria provided. Collection method: clinical testing. Allele origin: germline. Not counted in ClinVar's aggregate classification.
Comment: The MKS1 c.1465C>T variant is predicted to result in the amino acid substitution p.Arg489Cys. To our knowledge, this variant has not been reported in the literature or in a large population database, indicating this variant is rare. At this time, the clinical significance of this variant is uncertain due to the absence of conclusive functional and genetic evidence.

NM_017777.4(MKS1):c.1465C>T (p.Arg489Cys)

Gene: MKS1 (MKS transition zone complex subunit 1; minus strand). Cytogenetic location: 17q22.
Variant type: single nucleotide variant.
Coding change: c.1465C>T on transcript NM_017777.4 (MANE Select); coding-DNA position 1465, C replaced by T.
Protein change: p.Arg489Cys; replaces arginine 489 with cysteine.
Molecular consequence: missense variant. On other transcripts: intron variant (2).
Genome position (GRCh38, 1-based): chr17:58,206,490, G>A on the plus strand (C>T on the coding strand, the complement: MKS1 is on the minus strand). VCF-style: chr17-58206490-G-A. GRCh37 (hg19) VCF-style: chr17-56283851-G-A.
Other names: c.856C>T, p.Arg286Cys (NM_001321268.2); c.1274-110C>T (NM_001330397.2); c.1408-110C>T (NM_001321269.2); c.1465C>T (NM_017777.3); short protein forms R489C, R286C.
Identifiers: ClinVar variation 594938 (VCV000594938.9), dbSNP rs1003579700, ClinGen allele CA292007811.
Genomic context (GRCh38, chr17:58,206,490, plus strand): 5'-TAAGGTGCCCTGAGGCAGAGGGCCAAGTCACTCACCTGGACTGCTGCAGACAGTGCAAGC[G>A]GAAGGTGACAGTGCCTGTGGTCTCTGTGCGGAGTCCAAAGCGGCTCAGGCGTTCCCCCTG-3'
Protein context (NP_060247.2, residues 479-499): RTETTGTVTF[Arg489Cys]LHCLQQSRAF